The following is an entry in ClinVar:

ClinVar aggregate classification (germline): Pathogenic. Review status: reviewed by expert panel (3 of 4 stars). 12 submissions from 12 submitters: Pathogenic (1). 11 of the submissions do not count toward it. Last evaluated 2017-03-17.

Conditions:
Bronchiectasis with or without elevated sweat chloride 1 (BESC1). Also called: Cystic Fibrosis-Like Syndrome. Identifiers: Orphanet 60033, MedGen C2749757, MONDO:0008887, OMIM 211400.
CFTR-related disorder (CFTR-RD). Also called: CFTR-related condition; CFTR-related disorders. Identifiers: MedGen C5924204, MONDO:7770004.
Cystic fibrosis (CF). Also called: MUCOVISCIDOSIS. Identifiers: Orphanet 586, MedGen C0010674, MONDO:0009061, OMIM 219700. Disease mechanism: loss of function.

Allele frequency attached by ClinVar (database versions not stated): TOPMed 0.00001.

Submissions (12):

CFTR2
Classification: Pathogenic for Cystic fibrosis. Last evaluated: 2017-03-17. Review status: reviewed by expert panel. Criteria: Sosnay PR et al. (Nat Genet 2013). Collection method: research. Allele origin: germline. Affected: yes. Study: CFTR2.

GeneDx
Classification: Pathogenic. Last evaluated: 2026-04-01. Review status: criteria provided, single submitter. Criteria: GeneDx Variant Classification Process June 2021. Collection method: clinical testing. Allele origin: germline. Not counted in ClinVar's aggregate classification.
Comment: Observed in apparent homozygous state in patients with cystic fibrosis in published literature and observed multiple times with a pathogenic variant in unrelated patients in published literature, but it is not known whether the variants occurred on the same (in cis) or on different (in trans) chromosomes in all cases (PMID: 29970830, 28475858, 40508114); Published functional studies demonstrate a damaging effect: abnormal splicing leading to inclusion of a pseudo-exon and loss of normal CFTR protein expression (PMID: 28475858); Not observed at significant frequency in large population cohorts (internal data); Also known as c.1811+1643G>T and c.1679+1643G>T; In silico analysis suggests this variant may impact gene splicing. In the absence of RNA/functional studies, the actual effect of this sequence change is unknown.; This variant is associated with the following publications: (PMID: 31036917, 26708955, 28475858, 30296588, 29970830, 28863137, 40508114, 34782259, 37867076)

Labcorp Genetics (formerly Invitae), Labcorp
Classification: Pathogenic for Cystic fibrosis. Last evaluated: 2026-01-26. Review status: criteria provided, single submitter. Criteria: Invitae Variant Classification Sherloc (09022015). Collection method: clinical testing. Allele origin: germline. Not counted in ClinVar's aggregate classification.
Comment: This sequence change falls in intron 12 of the CFTR gene. It does not directly change the encoded amino acid sequence of the CFTR protein. This variant is present in population databases (rs397508261, gnomAD 0.1%). This variant has been observed in individual(s) with cystic fibrosis (PMID: 26708955, 28475858, 29970830). This variant is also known as c.1679+1643G>T. ClinVar contains an entry for this variant (Variation ID: 53331). Studies have shown that this variant alters CFTR gene expression (PMID: 28475858). Algorithms developed to predict the effect of sequence changes on RNA splicing suggest that this variant may create or strengthen a splice site. For these reasons, this variant has been classified as Pathogenic.

PreventionGenetics, part of Exact Sciences
Classification: Pathogenic for CFTR-related condition. Last evaluated: 2025-09-07. Review status: criteria provided, single submitter. Criteria: ACMG Guidelines, 2015. Collection method: clinical testing. Allele origin: germline. Not counted in ClinVar's aggregate classification.
Comment: The CFTR c.1680-877G>T variant is predicted to interfere with splicing. This variant (also known as 1811+1643G>T and c.1679+1643G>T) is predicted to strengthen a cryptic splice donor site (SpliceAI, Jaganathan et al. 2019. PubMed ID: 30661751). This variant has been reported in individuals with autosomal recessive cystic fibrosis (Schrijver et al. 2016. PubMed ID: 26708955; Beauchamp et al. 2019. PubMed ID: 31036917). Transcript analysis of patient derived nasal epithelial cells found this variant results in the inclusion of a 53 bp pseudoexon resulting in a frameshift and premature termination (p.Ala561Serfs∗15, Lee et al. 2017. PubMed ID: 28475858). This variant has not been reported in a large population database (gnomAD), indicating this variant is rare. This variant is interpreted as pathogenic.

Natera, Inc.
Classification: Likely pathogenic for CFTR-related disorders. Last evaluated: 2025-04-29. Review status: criteria provided, single submitter. Criteria: Natera Variant Classification Schema (03/2026). Collection method: clinical testing. Allele origin: germline. Not counted in ClinVar's aggregate classification.
Comment: The c.1680-877G>T variant in CFTR is an intronic variant located outside the canonical splice sites. This variant is rare in the general population with a frequency below the threshold expected for the associated phenotype(s). This variant has been observed in one or more individuals affected with the associated recessive disease, as either homozygous or compound heterozygous with a second variant (PMID: 28475858, 36549989, 33533914). Functional studies show that this variant may disrupt protein function (PMID: 28475858). Given the available evidence, this variant is classified as Likely Pathogenic.

Mayo Clinic Laboratories, Mayo Clinic
Classification: Pathogenic. Last evaluated: 2024-10-22. Review status: criteria provided, single submitter. Criteria: ACMG Guidelines, 2015. Collection method: clinical testing. Allele origin: germline. Observed: 1 variant allele. Not counted in ClinVar's aggregate classification.
Comment: PP5, PM2_moderate, PM3, PS3

Quest Diagnostics Nichols Institute San Juan Capistrano
Classification: Pathogenic. Last evaluated: 2024-02-27. Review status: criteria provided, single submitter. Criteria: Quest Diagnostics criteria. Collection method: clinical testing. Allele origin: unknown. Not counted in ClinVar's aggregate classification.
Comment: The CFTR c.1680-877G>T variant (also known as 1811+1643G>T) has been reported in the published literature in several individuals affected with cystic fibrosis (CF) (PMIDs: 34782259 (2021), 30296588 (2018), 29970830 (2018), 28475858 (2017), 26574590 (2015), 22608296 (2012)). Experimental studies have shown that this variant activates a cryptic donor site that causes the inclusion of a 53 bp pseudo exon between exons 12 and 13 in the final CFTR mRNA and a frameshift in the coding sequence (p.Ala561Serfs*15). This results in complete loss of normal CFTR protein (PMID: 28475858 (2017)). This variant has not been reported in large, multi-ethnic general populations (Genome Aggregation Database). Based on the available information, this variant is classified as pathogenic..

Baylor Genetics
Classification: Pathogenic for Bronchiectasis with or without elevated sweat chloride 1. Last evaluated: 2023-09-19. Review status: criteria provided, single submitter. Criteria: ACMG Guidelines, 2015. Collection method: clinical testing. Allele origin: unknown. Not counted in ClinVar's aggregate classification.

Institute of Human Genetics, University of Leipzig Medical Center
Classification: Pathogenic for Cystic fibrosis. Last evaluated: 2023-05-16. Review status: criteria provided, single submitter. Criteria: ACMG Guidelines, 2015. Collection method: clinical testing. Allele origin: unknown. Inheritance: Autosomal recessive inheritance. Affected: yes. Not counted in ClinVar's aggregate classification.
Comment: Criteria applied: PS3,PM3_STR,PM2_SUP,PP3; Identified as compund heterozygous with NM_000492.4:c.1521_1523del

Women's Health and Genetics/Laboratory Corporation of America, LabCorp
Classification: Pathogenic for Cystic fibrosis. Last evaluated: 2023-03-22. Review status: criteria provided, single submitter. Criteria: LabCorp Variant Classification Summary - May 2015. Collection method: clinical testing. Allele origin: germline. Not counted in ClinVar's aggregate classification.
Comment: Variant summary: CFTR c.1680-877G>T (also known as c.1679+1643G>T and 1811+1643G>T in publication and database) is located at a position not widely known to affect splicing. Several computational tools predict a significant impact on normal splicing: Two predict the variant creates a 5 donor site. At least one publication reports experimental evidence that this variant affects mRNA splicing and this variant results in creating a deep intronic donor and the inclusion of a 53 bp pseudoexon between exons 12 and 13 in the final processed mRNA (p.Ala561Serfs*15) (Lee_2017). The variant was absent in 31352 control chromosomes (gnomAD). c.1680-877G>T has been reported in the literature in compound heterozygous and homozygous individuals affected with Cystic Fibrosis (Schrijver_2016, Lee_2017, Raraigh_2022). These data indicate that the variant may be associated with disease. Six ClinVar submitters (evaluation after 2014) cite this variant as pathogenic (n=4) and likely pathogenic (n=2), including CFTR2 classified this variant as pathogenic. Based on the evidence outlined above, the variant was classified as pathogenic.

Ambry Genetics
Classification: Pathogenic for Cystic fibrosis. Last evaluated: 2022-12-20. Review status: criteria provided, single submitter. Criteria: Ambry Variant Classification Scheme 2023. Collection method: clinical testing. Allele origin: germline. Not counted in ClinVar's aggregate classification.
Comment: The c.1680-877G>T intronic pathogenic mutation (also known as c.1679+1643G>T and 1811+1643G>T) results from a G to T substitution 877 nucleotides upstream from coding exon 13 in the CFTR gene. In our clinical cohort, this alteration has been detected in the homozygous state in a few apparently unrelated individuals reported to have clinical presentations of cystic fibrosis (CF). RNA studies of this individual's primary nasal epithelia cells revealed that this alteration resulted in an aberrant transcript with 53 extra nucleotides. The aberrant transcript was in lower abundance than the p.F508del transcript, suggestive of non-sense mediated decay. Consistent with this observation, a minigene bearing this alteration showed a complete loss of CFTR protein in HEK293 cells (Lee M et al. Am. J. Hum. Genet., 2017 May;100:751-765). This nucleotide position is not well conserved in available vertebrate species. In silico splice site analysis predicts that this alteration will result in the creation or strengthening of a novel splice donor site. Based on the supporting evidence, this alteration is interpreted as a disease-causing mutation.

Counsyl
Classification: Likely pathogenic for Cystic fibrosis. Last evaluated: 2016-03-01. Review status: no assertion criteria provided. Collection method: clinical testing. Allele origin: unknown. Not counted in ClinVar's aggregate classification.

Literature cited by the submitters: PubMed 26708955 (cited by 3 submitters); PubMed 28475858 (cited by 6 submitters); PubMed 29970830 (cited by 3 submitters); PubMed 36549989 (cited by Natera, Inc.); PubMed 33533914 (cited by Natera, Inc.); PubMed 26574590 (cited by Mayo Clinic Laboratories, Mayo Clinic and Quest Diagnostics Nichols Institute San Juan Capistrano); PubMed 30296588 (cited by Mayo Clinic Laboratories, Mayo Clinic and Quest Diagnostics Nichols Institute San Juan Capistrano); PubMed 31036917 (cited by Mayo Clinic Laboratories, Mayo Clinic and Women's Health and Genetics/Laboratory Corporation of America, LabCorp); PubMed 34782259 (cited by 3 submitters); PubMed 37867076 (cited by Mayo Clinic Laboratories, Mayo Clinic); PubMed 38027060 (cited by Mayo Clinic Laboratories, Mayo Clinic); PubMed 38734509 (cited by Mayo Clinic Laboratories, Mayo Clinic); PubMed 22608296 (cited by Quest Diagnostics Nichols Institute San Juan Capistrano and Counsyl); PubMed 35650428 (cited by Quest Diagnostics Nichols Institute San Juan Capistrano); PubMed 28863137 (cited by Quest Diagnostics Nichols Institute San Juan Capistrano and Women's Health and Genetics/Laboratory Corporation of America, LabCorp).

NM_000492.4(CFTR):c.1680-877G>T

Gene: CFTR (CF transmembrane conductance regulator; plus strand). Cytogenetic location: 7q31.2.
Variant type: single nucleotide variant.
Coding change: c.1680-877G>T on transcript NM_000492.4 (MANE Select); 877 bases into the intron before coding-DNA position 1680, G replaced by T.
Molecular consequence: intron variant.
Genome position (GRCh38, 1-based): chr7:117,589,476, G>T. VCF-style: chr7-117589476-G-T. GRCh37 (hg19) VCF-style: chr7-117229530-G-T.
Other names: p.=.
Identifiers: ClinVar variation 53331 (VCV000053331.30), dbSNP rs397508261, ClinGen allele CA326598.